The following is an entry in ClinVar:

ClinVar aggregate classification (germline): Uncertain significance (1 of 4 stars; one submission).

Submission:

Labcorp Genetics (formerly Invitae), Labcorp
Classification: Uncertain significance. Last evaluated: 2024-05-26. Review status: criteria provided, single submitter. Criteria: Invitae Variant Classification Sherloc (09022015). Collection method: clinical testing. Allele origin: germline.
Comment: This sequence change replaces histidine, which is basic and polar, with tyrosine, which is neutral and polar, at codon 47 of the PROM1 protein (p.His47Tyr). This variant is present in population databases (rs747436862, gnomAD 0.006%). This variant has not been reported in the literature in individuals affected with PROM1-related conditions. Advanced modeling of protein sequence and biophysical properties (such as structural, functional, and spatial information, amino acid conservation, physicochemical variation, residue mobility, and thermodynamic stability) performed at Invitae indicates that this missense variant is not expected to disrupt PROM1 protein function with a negative predictive value of 80%. In summary, the available evidence is currently insufficient to determine the role of this variant in disease. Therefore, it has been classified as a Variant of Uncertain Significance.

NM_006017.3(PROM1):c.139C>T (p.His47Tyr)

Gene: PROM1 (prominin 1; minus strand). Cytogenetic location: 4p15.32.
Variant type: single nucleotide variant.
Coding change: c.139C>T on transcript NM_006017.3 (MANE Select); coding-DNA position 139, C replaced by T.
Protein change: p.His47Tyr; replaces histidine 47 with tyrosine.
Molecular consequence: missense variant.
Genome position (GRCh38, 1-based): chr4:16,075,768, G>A on the plus strand (C>T on the coding strand, the complement: PROM1 is on the minus strand). VCF-style: chr4-16075768-G-A. GRCh37 (hg19) VCF-style: chr4-16077391-G-A.
Other names: c.139C>T, p.His47Tyr (NM_001145847.2, NM_001145848.2, NM_001145849.2 and 6 more transcripts); short protein forms H47Y.
Identifiers: ClinVar variation 3653241 (VCV003653241.2).